The following is an entry in ClinVar:

NM_001032283.3(TMPO):c.565+1633T>C

Gene: TMPO (thymopoietin; plus strand). Cytogenetic location: 12q23.1.
Variant type: single nucleotide variant.
Coding change: c.565+1633T>C on transcript NM_001032283.3 (MANE Select); 1633 bases into the intron after coding-DNA position 565, T replaced by C.
Molecular consequence: intron variant. On other transcripts: missense variant (1).
Genome position (GRCh38, 1-based): chr12:98,533,471, T>C. VCF-style: chr12-98533471-T-C. GRCh37 (hg19) VCF-style: chr12-98927249-T-C.
Other names: c.1214T>C, p.Val405Ala (NM_003276.2); c.565+1633T>C (NM_001307975.2, NM_001032284.3); short protein forms V405A.
Identifiers: ClinVar variation 1751236 (VCV001751236.6), dbSNP rs149120802, ClinGen allele CA6732383.

ClinVar aggregate classification (germline): Uncertain significance. Review status: criteria provided, multiple submitters, no conflicts (2 of 4 stars). 2 submissions from 2 submitters: Uncertain significance (2). Last evaluated 2025-04-14.

Conditions:
Loeys-Dietz syndrome 2 (LDS2). Also called: TGFBR2-Related Loeys-Dietz Syndrome; Marfan Syndrome type 2; Marfan like connective tissue disorder; MFS 2; AORTIC ANEURYSM, FAMILIAL THORACIC 3; MARFAN SYNDROME, TYPE II. Identifiers: Orphanet 284973, Orphanet 558, MedGen C2674574, MONDO:0012427, OMIM 610168.

Allele frequency attached by ClinVar (database versions not stated): gnomAD exomes below 0.00001; ExAC 0.00001; gnomAD 0.00001; TOPMed 0.00001; ESP Exome Variant Server 0.00008.
gnomAD v4.1: 3 of 1,614,046 alleles (0.00019%); highest among the groups gnomAD compares: Non-Finnish European, 0.00025%; no homozygotes.

Submissions (2):

Ambry Genetics
Classification: Uncertain significance. Last evaluated: 2025-04-14. Review status: criteria provided, single submitter. Criteria: Ambry Variant Classification Scheme 2023. Collection method: clinical testing. Allele origin: germline.
Comment: The p.V405A variant (also known as c.1214T>C), located in coding exon 4 of the TMPO gene, results from a T to C substitution at nucleotide position 1214. The valine at codon 405 is replaced by alanine, an amino acid with similar properties. This amino acid position is conserved. In addition, this alteration is predicted to be tolerated by in silico analysis. Since supporting evidence is limited at this time, the clinical significance of this alteration remains unclear.

Labcorp Genetics (formerly Invitae), Labcorp
Classification: Uncertain significance for Loeys-Dietz syndrome 2. Last evaluated: 2023-11-28. Review status: criteria provided, single submitter. Criteria: Invitae Variant Classification Sherloc (09022015). Collection method: clinical testing. Allele origin: germline.
Comment: This sequence change replaces valine, which is neutral and non-polar, with alanine, which is neutral and non-polar, at codon 405 of the TMPO protein (p.Val405Ala). The frequency data for this variant in the population databases is considered unreliable, as metrics indicate poor data quality at this position in the gnomAD database. This variant has not been reported in the literature in individuals affected with TMPO-related conditions. ClinVar contains an entry for this variant (Variation ID: 1751236). Advanced modeling of protein sequence and biophysical properties (such as structural, functional, and spatial information, amino acid conservation, physicochemical variation, residue mobility, and thermodynamic stability) performed at Invitae indicates that this missense variant is not expected to disrupt TMPO protein function with a negative predictive value of 80%. In summary, the available evidence is currently insufficient to determine the role of this variant in disease. Therefore, it has been classified as a Variant of Uncertain Significance.